The following is an entry in ClinVar:

ClinVar aggregate classification (germline): Uncertain significance. Review status: criteria provided, multiple submitters, no conflicts (2 of 4 stars). 2 submissions from 2 submitters: Uncertain significance (2). Last evaluated 2025-07-30.

Conditions:
Hereditary nonpolyposis colorectal neoplasms. Identifiers: MedGen C0009405, MeSH D003123.
Hereditary cancer-predisposing syndrome. Also called: Hereditary Cancer Syndrome; Hereditary neoplastic syndrome; Neoplastic Syndromes, Hereditary; Tumor predisposition. Identifiers: Orphanet 140162, MedGen C0027672, MeSH D009386, MONDO:0015356.

Submissions (2):

Labcorp Genetics (formerly Invitae), Labcorp
Classification: Uncertain significance for Hereditary nonpolyposis colorectal neoplasms. Last evaluated: 2025-07-30. Review status: criteria provided, single submitter. Criteria: Invitae Variant Classification Sherloc (09022015). Collection method: clinical testing. Allele origin: germline.
Comment: This sequence change replaces proline, which is neutral and non-polar, with arginine, which is basic and polar, at codon 462 of the MSH6 protein (p.Pro462Arg). This variant is not present in population databases (gnomAD no frequency). This variant has not been reported in the literature in individuals affected with MSH6-related conditions. ClinVar contains an entry for this variant (Variation ID: 1771375). Invitae Evidence Modeling of protein sequence and biophysical properties (such as structural, functional, and spatial information, amino acid conservation, physicochemical variation, residue mobility, and thermodynamic stability) indicates that this missense variant is expected to disrupt MSH6 protein function with a positive predictive value of 95%. In summary, the available evidence is currently insufficient to determine the role of this variant in disease. Therefore, it has been classified as a Variant of Uncertain Significance.

Ambry Genetics
Classification: Uncertain significance for Hereditary cancer-predisposing syndrome. Last evaluated: 2024-07-31. Review status: criteria provided, single submitter. Criteria: Ambry Variant Classification Scheme 2023. Collection method: clinical testing. Allele origin: germline.
Comment: The p.P462R variant (also known as c.1385C>G), located in coding exon 4 of the MSH6 gene, results from a C to G substitution at nucleotide position 1385. The proline at codon 462 is replaced by arginine, an amino acid with dissimilar properties. This amino acid position is highly conserved in available vertebrate species. In addition, this alteration is predicted to be deleterious by in silico analysis. Based on the available evidence, the clinical significance of this variant remains unclear.

NM_000179.3(MSH6):c.1385C>G (p.Pro462Arg)

Gene: MSH6 (mutS homolog 6; plus strand). Cytogenetic location: 2p16.3.
Variant type: single nucleotide variant.
Coding change: c.1385C>G on transcript NM_000179.3 (MANE Select); coding-DNA position 1385, C replaced by G.
Protein change: p.Pro462Arg; replaces proline 462 with arginine.
Molecular consequence: missense variant.
Genome position (GRCh38, 1-based): chr2:47,799,368, C>G. VCF-style: chr2-47799368-C-G. GRCh37 (hg19) VCF-style: chr2-48026507-C-G.
Other names: c.995C>G, p.Pro332Arg (NM_001281492.2); c.479C>G, p.Pro160Arg (NM_001281493.2, NM_001281494.2, NM_001406811.1 and 6 more transcripts); c.1481C>G, p.Pro494Arg (NM_001406795.1, NM_001406802.1); c.1385C>G, p.Pro462Arg (NM_001406796.1, NM_001406798.1, NM_001406800.1 and 4 more transcripts); c.1088C>G, p.Pro363Arg (NM_001406797.1, NM_001406801.1, NM_001406805.1 and 10 more transcripts); c.860C>G, p.Pro287Arg (NM_001406799.1, NM_001406806.1, NM_001406807.1); c.1307C>G, p.Pro436Arg (NM_001406804.1); c.1391C>G, p.Pro464Arg (NM_001406813.1); and 1 more; short protein forms P462R, P160R, P287R, P332R, P363R, P406R, P436R, P464R.
Identifiers: ClinVar variation 1771375 (VCV001771375.5), dbSNP rs1558661506, ClinGen allele CA346745045.